The following is an entry in ClinVar:

ClinVar aggregate classification (germline): Pathogenic/Likely pathogenic. Review status: criteria provided, multiple submitters, no conflicts (2 of 4 stars). 3 submissions from 3 submitters: Pathogenic (1); Likely pathogenic (2). Last evaluated 2026-07-15.

Conditions:
Hereditary cancer-predisposing syndrome. Also called: Neoplastic Syndromes, Hereditary; Hereditary Cancer Syndrome; Tumor predisposition; Hereditary neoplastic syndrome. Identifiers: Orphanet 140162, MedGen C0027672, MeSH D009386, MONDO:0015356.
Ataxia-telangiectasia syndrome (AT). Also called: LOUIS-BAR SYNDROME; Cerebello-oculocutaneous telangiectasia; Immunodeficiency with ataxia telangiectasia; Ataxia-telangiectasia, complementation group D; AT, COMPLEMENTATION GROUP C; Ataxia-telangiectasia, complementation group E. Identifiers: Orphanet 100, MedGen C0004135, MONDO:0008840, OMIM 208900.
Familial cancer of breast. Also called: Hereditary breast cancer; BREAST CANCER, FAMILIAL; hereditary breast carcinoma. Identifiers: Orphanet 227535, MedGen C0346153, MONDO:0016419, OMIM 114480. Disease mechanism: loss of function.

Submissions (3):

Myriad Genetics, Inc.
Classification: Pathogenic for Familial cancer of breast. Last evaluated: 2026-07-15. Review status: criteria provided, single submitter. Criteria: Myriad Autosomal Dominant, Autosomal Recessive and X-Linked Classification Criteria (2023). Collection method: clinical testing. Allele origin: unknown.
Comment: This variant is considered pathogenic. This variant occurs within a consensus splice junction and is predicted to result in abnormal mRNA splicing of either an out-of-frame exon or an in-frame exon necessary for protein stability and/or normal function. This variant has been reported in an individual with clinical features of gene-specific disease [PMID: 41715124]. mRNA analysis has demonstrated abnormal mRNA splicing occurs [PMID: 41715124].

Labcorp Genetics (formerly Invitae), Labcorp
Classification: Likely pathogenic for Ataxia-telangiectasia syndrome. Last evaluated: 2022-07-23. Review status: criteria provided, single submitter. Criteria: Invitae Variant Classification Sherloc (09022015). Collection method: clinical testing. Allele origin: germline.
Comment: In summary, the currently available evidence indicates that the variant is pathogenic, but additional data are needed to prove that conclusively. Therefore, this variant has been classified as Likely Pathogenic. Algorithms developed to predict the effect of sequence changes on RNA splicing suggest that this variant may disrupt the consensus splice site. ClinVar contains an entry for this variant (Variation ID: 485177). This variant has not been reported in the literature in individuals affected with ATM-related conditions. This variant is not present in population databases (gnomAD no frequency). This sequence change affects a donor splice site in intron 48 of the ATM gene. It is expected to disrupt RNA splicing. Variants that disrupt the donor or acceptor splice site typically lead to a loss of protein function (PMID: 16199547), and loss-of-function variants in ATM are known to be pathogenic (PMID: 23807571, 25614872).

Ambry Genetics
Classification: Likely pathogenic for Hereditary cancer-predisposing syndrome. Last evaluated: 2016-01-25. Review status: criteria provided, single submitter. Criteria: Ambry Variant Classification Scheme 2023. Collection method: clinical testing. Allele origin: germline.
Comment: The c.7089+1G>A intronic variant results from a G to A substitution one nucleotide after coding exon 47 of the ATM gene. This variant was not reported in population based cohorts in the following databases: Database of Single Nucleotide Polymorphisms (dbSNP), NHLBI Exome Sequencing Project (ESP), and 1000 Genomes Project. In the ESP, this variant was not observed in 6499 samples (12998 alleles) with coverage at this position. To date, this alteration has been detected with an allele frequency of approximately 0.001% (greater than 125000 alleles tested) in our clinical cohort. This nucleotide position is highly conserved in available vertebrate species. Using the BDGP and ESEfinder splice site prediction tools, this alteration is predicted to abolish the native splice donor site; however, direct evidence is unavailable. Alterations that disrupt the canonical splice donor site are typically deleterious in nature (ACMG Recommendations for Standards for Interpretation and Reporting of Sequence Variations. Revision 2007. Genet Med. 2008;10:294). As such, the c.7089+1G>A variant is classified as likely pathogenic.

Literature cited by the submitters: PubMed 41715124 (cited by Myriad Genetics, Inc.); PubMed 16199547 (cited by Labcorp Genetics (formerly Invitae), Labcorp); PubMed 23807571 (cited by Labcorp Genetics (formerly Invitae), Labcorp); PubMed 25614872 (cited by Labcorp Genetics (formerly Invitae), Labcorp).

NM_000051.4(ATM):c.7089+1G>A

Genes: ATM (ATM serine/threonine kinase; plus strand), C11orf65 (chromosome 11 open reading frame 65; minus strand). Cytogenetic location: 11q22.3.
Variant type: single nucleotide variant.
Coding change: c.7089+1G>A on transcript NM_000051.4 (MANE Select); the canonical splice donor site of the intron after coding-DNA position 7089, G replaced by A.
Molecular consequence: splice donor variant. On other transcripts: intron variant (2).
Genome position (GRCh38, 1-based): chr11:108,327,759, G>A. VCF-style: chr11-108327759-G-A. GRCh37 (hg19) VCF-style: chr11-108198486-G-A.
Other names: c.7089+1G>A (NM_001351834.2); c.641-18688C>T (NM_001330368.2); c.*38+7461C>T (NM_001351110.2).
Identifiers: ClinVar variation 485177 (VCV000485177.14), dbSNP rs777741666, ClinGen allele CA228414402.